The following is an entry in ClinVar:

ClinVar aggregate classification (germline): Uncertain significance (1 of 4 stars; one submission).

Submission:

Labcorp Genetics (formerly Invitae), Labcorp
Classification: Uncertain significance. Last evaluated: 2021-12-20. Review status: criteria provided, single submitter. Criteria: Invitae Variant Classification Sherloc (09022015). Collection method: clinical testing. Allele origin: germline.
Comment: This sequence change replaces tyrosine, which is neutral and polar, with cysteine, which is neutral and slightly polar, at codon 261 of the PPP2R1A protein (p.Tyr261Cys). This variant is not present in population databases (gnomAD no frequency). This variant has not been reported in the literature in individuals affected with PPP2R1A-related conditions. Algorithms developed to predict the effect of missense changes on protein structure and function are either unavailable or do not agree on the potential impact of this missense change (SIFT: "Deleterious"; PolyPhen-2: "Benign"; Align-GVGD: "Class C65"). In summary, the available evidence is currently insufficient to determine the role of this variant in disease. Therefore, it has been classified as a Variant of Uncertain Significance.

NM_014225.6(PPP2R1A):c.782A>G (p.Tyr261Cys)

Gene: PPP2R1A (protein phosphatase 2 scaffold subunit Aalpha; plus strand). Cytogenetic location: 19q13.41.
Variant type: single nucleotide variant.
Coding change: c.782A>G on transcript NM_014225.6 (MANE Select); coding-DNA position 782, A replaced by G.
Protein change: p.Tyr261Cys; replaces tyrosine 261 with cysteine.
Molecular consequence: missense variant. On other transcripts: non-coding transcript variant (1).
Genome position (GRCh38, 1-based): chr19:52,213,085, A>G. VCF-style: chr19-52213085-A-G. GRCh37 (hg19) VCF-style: chr19-52716338-A-G.
Other names: c.245A>G, p.Tyr82Cys (NM_001363656.2); short protein forms Y82C, Y261C.
Identifiers: ClinVar variation 2050779 (VCV002050779.4), dbSNP rs2122338937, ClinGen allele CA407185452.